The following is an entry in ClinVar:

ClinVar aggregate classification (germline): Uncertain significance (1 of 4 stars; one submission).

Submission:

GeneDx
Classification: Uncertain significance. Last evaluated: 2024-10-11. Review status: criteria provided, single submitter. Criteria: GeneDx Variant Classification Process June 2021. Collection method: clinical testing. Allele origin: germline. Affected: yes.
Comment: Not observed at significant frequency in large population cohorts (gnomAD); In silico analysis supports that this missense variant has a deleterious effect on protein structure/function; Has not been previously published as pathogenic or benign to our knowledge

NM_000186.4(CFH):c.1909C>T (p.Leu637Phe)

Gene: CFH (complement factor H; plus strand). Cytogenetic location: 1q31.3.
Variant type: single nucleotide variant.
Coding change: c.1909C>T on transcript NM_000186.4 (MANE Select); coding-DNA position 1909, C replaced by T.
Protein change: p.Leu637Phe; replaces leucine 637 with phenylalanine.
Molecular consequence: missense variant.
Genome position (GRCh38, 1-based): chr1:196,726,505, C>T. VCF-style: chr1-196726505-C-T. GRCh37 (hg19) VCF-style: chr1-196695635-C-T.
Other names: short protein forms L637F.
Identifiers: ClinVar variation 3777691 (VCV003777691.1).
Genomic context (GRCh38, chr1:196,726,505, plus strand): 5'-TATTTACATAGTATTTCTACTATAGAGCAAGTACAATCATGTGGTCCACCTCCTGAACTC[C>T]TCAATGGGAATGTTAAGGAAAAAACGAAAGAAGAATATGGACACAGTGAAGTGGTGGAAT-3'
Protein context (NP_000177.2, residues 627-647): VQSCGPPPEL[Leu637Phe]NGNVKEKTKE